The following is an entry in ClinVar:

ClinVar aggregate classification (germline): Uncertain significance. Review status: criteria provided, multiple submitters, no conflicts (2 of 4 stars). 2 submissions from 2 submitters: Uncertain significance (2). Last evaluated 2026-01-08.

Conditions:
Inborn genetic diseases. Identifiers: MedGen C0950123, MeSH D030342.

Allele frequency attached by ClinVar (database versions not stated): gnomAD exomes below 0.00001; TOPMed below 0.00001.

Submissions (2):

Labcorp Genetics (formerly Invitae), Labcorp
Classification: Uncertain significance. Last evaluated: 2026-01-08. Review status: criteria provided, single submitter. Criteria: Invitae Variant Classification Sherloc (09022015). Collection method: clinical testing. Allele origin: germline.
Comment: This sequence change replaces proline, which is neutral and non-polar, with arginine, which is basic and polar, at codon 444 of the MBD4 protein (p.Pro444Arg). This variant is not present in population databases (gnomAD no frequency). This variant has not been reported in the literature in individuals affected with MBD4-related conditions. ClinVar contains an entry for this variant (Variation ID: 2784051). An algorithm developed to predict the effect of missense changes on protein structure and function (PolyPhen-2) suggests that this variant is likely to be disruptive. In summary, the available evidence is currently insufficient to determine the role of this variant in disease. Therefore, it has been classified as a Variant of Uncertain Significance.

Ambry Genetics
Classification: Uncertain significance for Inborn genetic diseases. Last evaluated: 2025-03-28. Review status: criteria provided, single submitter. Criteria: Ambry Variant Classification Scheme 2023. Collection method: clinical testing. Allele origin: germline.
Comment: The p.P438R variant (also known as c.1313C>G), located in coding exon 5 of the MBD4 gene, results from a C to G substitution at nucleotide position 1313. The proline at codon 438 is replaced by arginine, an amino acid with dissimilar properties. This amino acid position is conserved. In addition, this alteration is predicted to be deleterious by in silico analysis. Based on the available evidence, the clinical significance of this variant remains unclear.

NM_001276270.2(MBD4):c.1313C>G (p.Pro438Arg)

Gene: MBD4 (methyl-CpG binding domain 4, DNA glycosylase; minus strand). Cytogenetic location: 3q21.3.
Variant type: single nucleotide variant.
Coding change: c.1313C>G on transcript NM_001276270.2 (MANE Select); coding-DNA position 1313, C replaced by G.
Protein change: p.Pro438Arg; replaces proline 438 with arginine.
Molecular consequence: missense variant.
Genome position (GRCh38, 1-based): chr3:129,433,930, G>C on the plus strand (C>G on the coding strand, the complement: MBD4 is on the minus strand). VCF-style: chr3-129433930-G-C. GRCh37 (hg19) VCF-style: chr3-129152773-G-C.
Other names: c.1331C>G, p.Pro444Arg (NM_001276271.2, NM_001276272.2, NM_003925.3); c.377C>G, p.Pro126Arg (NM_001276273.2); short protein forms P438R, P444R, P126R.
Identifiers: ClinVar variation 2784051 (VCV002784051.4), dbSNP rs1412146039, ClinGen allele CA354465904.